The following is an entry in ClinVar:

ClinVar aggregate classification (germline): Uncertain significance (1 of 4 stars; one submission).

Submission:

Labcorp Genetics (formerly Invitae), Labcorp
Classification: Uncertain significance. Last evaluated: 2022-07-19. Review status: criteria provided, single submitter. Criteria: Invitae Variant Classification Sherloc (09022015). Collection method: clinical testing. Allele origin: germline.
Comment: Advanced modeling of protein sequence and biophysical properties (such as structural, functional, and spatial information, amino acid conservation, physicochemical variation, residue mobility, and thermodynamic stability) performed at Invitae indicates that this missense variant is not expected to disrupt COL11A2 protein function. In summary, the available evidence is currently insufficient to determine the role of this variant in disease. Therefore, it has been classified as a Variant of Uncertain Significance. This variant has not been reported in the literature in individuals affected with COL11A2-related conditions. This variant is not present in population databases (gnomAD no frequency). This sequence change replaces valine, which is neutral and non-polar, with leucine, which is neutral and non-polar, at codon 1732 of the COL11A2 protein (p.Val1732Leu).

NM_080680.3(COL11A2):c.5194G>C (p.Val1732Leu)

Gene: COL11A2 (collagen type XI alpha 2 chain; minus strand). Cytogenetic location: 6p21.32.
Variant type: single nucleotide variant.
Coding change: c.5194G>C on transcript NM_080680.3 (MANE Select); coding-DNA position 5194, G replaced by C.
Protein change: p.Val1732Leu; replaces valine 1732 with leucine.
Molecular consequence: missense variant.
Genome position (GRCh38, 1-based): chr6:33,163,695, C>G on the plus strand (G>C on the coding strand, the complement: COL11A2 is on the minus strand). VCF-style: chr6-33163695-C-G. GRCh37 (hg19) VCF-style: chr6-33131472-C-G.
Other names: c.4873G>C, p.Val1625Leu (NM_080679.3); c.4936G>C, p.Val1646Leu (NM_080681.3); short protein forms V1625L, V1646L, V1732L.
Identifiers: ClinVar variation 2074805 (VCV002074805.4), dbSNP rs1437806335, ClinGen allele CA363615364.